The following is an entry in ClinVar:

NM_015465.5(GEMIN5):c.1200_1201del (p.Asp401fs)

Gene: GEMIN5 (gem nuclear organelle associated protein 5; minus strand). Cytogenetic location: 5q33.2.
Variant type: Deletion.
Coding change: c.1200_1201del on transcript NM_015465.5 (MANE Select); coding-DNA positions 1200 to 1201, 2 bases deleted (GG; older notation c.1200_1201delGG).
Protein change: p.Asp401fs; shifts the reading frame from aspartic acid 401.
Molecular consequence: frameshift variant.
Genome position (GRCh38, 1-based): chr5:154,925,954-154,925,955, CC deleted on the plus strand (GG on the coding strand, the reverse complement: GEMIN5 is on the minus strand); deleting any 2 consecutive bases within chr5:154,925,954-154,925,957 gives the same sequence; the c. name uses the placement nearest the transcript's 3' end. VCF-style (leftmost placement, unchanged base first): chr5-154925953-TCC-T. GRCh37 (hg19) VCF-style: chr5-154305513-TCC-T.
Other names: c.1197_1198del, p.Asp400fs (NM_001252156.2); short protein forms D400fs, D401fs.
Identifiers: ClinVar variation 4535197 (VCV004535197.6).

ClinVar aggregate classification (germline): Pathogenic (1 of 4 stars; one submission).

Submission:

CeGaT Center for Human Genetics Tuebingen
Classification: Pathogenic. Last evaluated: 2025-11-01. Review status: criteria provided, single submitter. Criteria: CeGaT Center For Human Genetics Tuebingen Variant Classification Criteria Version 2. Collection method: clinical testing. Allele origin: germline. Affected: yes. Observed: 1 variant allele.
Comment: GEMIN5: PVS1, PM2